The following is an entry in ClinVar:

ClinVar aggregate classification (germline): Uncertain significance (1 of 4 stars; one submission).

Submission:

GeneDx
Classification: Uncertain significance. Last evaluated: 2024-08-11. Review status: criteria provided, single submitter. Criteria: GeneDx Variant Classification Process June 2021. Collection method: clinical testing. Allele origin: germline. Affected: yes.
Comment: Not observed at significant frequency in large population cohorts (gnomAD); In silico analysis supports a deleterious effect on splicing; Has not been previously published as pathogenic or benign to our knowledge

NM_001281775.3(ZMYND8):c.2856+5G>A

Gene: ZMYND8 (zinc finger MYND-type containing 8; minus strand). Cytogenetic location: 20q13.12.
Variant type: single nucleotide variant.
Coding change: c.2856+5G>A on transcript NM_001281775.3 (MANE Select); 5 bases into the intron after coding-DNA position 2856, G replaced by A.
Molecular consequence: intron variant.
Genome position (GRCh38, 1-based): chr20:47,236,321, C>T on the plus strand (G>A on the coding strand, the complement: ZMYND8 is on the minus strand). VCF-style: chr20-47236321-C-T. GRCh37 (hg19) VCF-style: chr20-45865065-C-T.
Other names: c.2502+5G>A (NM_001281781.3); c.2640+5G>A (NM_001281784.3); c.2400+5G>A (NM_001281771.3); c.2643+5G>A (NM_001281782.3, NM_183048.4, NM_001281777.3); c.2781+5G>A (NM_001281778.3); c.2475+5G>A (NM_001281776.3); c.2718+5G>A (NM_012408.6, NM_183047.4); c.2856+5G>A (NM_001281783.3); and 4 more.
Identifiers: ClinVar variation 3731146 (VCV003731146.1).